The following is an entry in ClinVar:

ClinVar aggregate classification (germline): Benign/Likely benign. Review status: criteria provided, multiple submitters, no conflicts (2 of 4 stars). 6 submissions from 6 submitters: Benign (3); Likely benign (2). 1 of the submissions does not count toward it. Last evaluated 2026-09-01.

Conditions:
SH2B1-related disorder. Also called: SH2B1-related condition.

Allele frequency attached by ClinVar (database versions not stated): 1000 Genomes Project 0.00260; 1000 Genomes Project 30x 0.00328; gnomAD 0.00699 and 0.00700; gnomAD exomes 0.00708 and 0.01051; TOPMed 0.00720; ESP Exome Variant Server 0.00810; ExAC 0.00833.
gnomAD v4.1: 16,354 of 1,605,992 alleles (1%); highest among the groups gnomAD compares: Non-Finnish European, 1.2%; 137 homozygotes.

Submissions (6):

CeGaT Center for Human Genetics Tuebingen
Classification: Likely benign. Last evaluated: 2026-09-01. Review status: criteria provided, single submitter. Criteria: CeGaT Center For Human Genetics Tuebingen Variant Classification Criteria Version 2. Collection method: clinical testing. Allele origin: germline. Affected: yes. Observed: 8 variant alleles.
Comment: SH2B1: BP4, BS2

Labcorp Genetics (formerly Invitae), Labcorp
Classification: Benign. Last evaluated: 2026-02-01. Review status: criteria provided, single submitter. Criteria: Invitae Variant Classification Sherloc (09022015). Collection method: clinical testing. Allele origin: germline.

Genomic Medicine Center of Excellence, King Faisal Specialist Hospital and Research Centre
Classification: Likely benign. Last evaluated: 2025-08-18. Review status: criteria provided, single submitter. Criteria: ACMG Guidelines, 2015. Collection method: clinical testing. Allele origin: germline.

Mendelics
Classification: Benign. Last evaluated: 2019-05-28. Review status: criteria provided, single submitter. Criteria: Mendelics Assertion Criteria 2017. Collection method: clinical testing. Allele origin: unknown.

Breakthrough Genomics
Classification: Benign. Review status: criteria provided, single submitter. Criteria: ACMG Guidelines, 2015. Collection method: not provided. Allele origin: germline. Inheritance: Unknown mechanism. Affected: yes.

PreventionGenetics, part of Exact Sciences
Classification: Likely benign for SH2B1-related condition. Last evaluated: 2024-09-05. Review status: no assertion criteria provided. Collection method: clinical testing. Allele origin: germline. Not counted in ClinVar's aggregate classification.
Comment: This variant is classified as likely benign based on ACMG/AMP sequence variant interpretation guidelines (Richards et al. 2015 PMID: 25741868, with internal and published modifications).

NM_001387430.1(SH2B1):c.1988C>T (p.Ala663Val)

Gene: SH2B1 (SH2B adaptor protein 1; plus strand). Cytogenetic location: 16p11.2.
Variant type: single nucleotide variant.
Coding change: c.1988C>T on transcript NM_001387430.1 (MANE Select); coding-DNA position 1988, C replaced by T.
Protein change: p.Ala663Val; replaces alanine 663 with valine.
Molecular consequence: missense variant. On other transcripts: 3 prime UTR variant (5).
Genome position (GRCh38, 1-based): chr16:28,873,537, C>T. VCF-style: chr16-28873537-C-T. GRCh37 (hg19) VCF-style: chr16-28884858-C-T.
Other names: c.1988C>T, p.Ala663Val (NM_001145795.2, NM_001308293.2, NM_001387404.1); c.*72C>T (NM_001145796.2, NM_001145812.2, NM_001308294.2 and 1 more transcripts); c.*89C>T (NM_001145797.2); short protein forms A663V.
Identifiers: ClinVar variation 779278 (VCV000779278.36), dbSNP rs190981290, ClinGen allele CA7986417.